The following is an entry in ClinVar:

NC_000023.10:g.(?_122318388)_(122387413_?)dup

Gene: GRIA3 (glutamate ionotropic receptor AMPA type subunit 3; plus strand). Cytogenetic location: Xq25.
Variant type: Duplication.
Identifiers: ClinVar variation 3246344 (VCV003246344.1).

ClinVar aggregate classification (germline): Uncertain significance (1 of 4 stars; one submission).

Submission:

Labcorp Genetics (formerly Invitae), Labcorp
Classification: Uncertain significance. Last evaluated: 2023-08-14. Review status: criteria provided, single submitter. Criteria: Invitae Variant Classification Sherloc (09022015). Collection method: clinical testing. Allele origin: unknown.
Comment: In summary, the available evidence is currently insufficient to determine the role of this variant in disease. Therefore, it has been classified as a Variant of Uncertain Significance. This variant has not been reported in the literature in individuals affected with GRIA3-related conditions. This variant results in a copy number gain of the genomic region encompassing exon(s) 1-3 of the GRIA3 gene. This region includes the initiator codon of the gene. This copy number gain extends beyond the assayed region for this gene and therefore may encompass additional genes. As the precise location of this event is unknown, it may be in tandem or it may be located elsewhere in the genome.